The following is an entry in ClinVar:

NM_006231.4(POLE):c.4703T>C (p.Ile1568Thr)

Gene: POLE (DNA polymerase epsilon, catalytic subunit; minus strand). Cytogenetic location: 12q24.33.
Variant type: single nucleotide variant.
Coding change: c.4703T>C on transcript NM_006231.4 (MANE Select); coding-DNA position 4703, T replaced by C.
Protein change: p.Ile1568Thr; replaces isoleucine 1568 with threonine.
Molecular consequence: missense variant.
Genome position (GRCh38, 1-based): chr12:132,642,845, A>G on the plus strand (T>C on the coding strand, the complement: POLE is on the minus strand). VCF-style: chr12-132642845-A-G. GRCh37 (hg19) VCF-style: chr12-133219431-A-G.
Other names: c.4703T>C (NM_006231.2); short protein forms I1568T.
Identifiers: ClinVar variation 1408211 (VCV001408211.7), dbSNP rs2138539072, ClinGen allele CA387378690.

ClinVar aggregate classification (germline): Uncertain significance. Review status: criteria provided, multiple submitters, no conflicts (2 of 4 stars). 2 submissions from 2 submitters: Uncertain significance (2). Last evaluated 2023-06-25.

Conditions:
Hereditary cancer-predisposing syndrome. Also called: Hereditary Cancer Syndrome; Tumor predisposition; Hereditary neoplastic syndrome; Neoplastic Syndromes, Hereditary. Identifiers: Orphanet 140162, MedGen C0027672, MeSH D009386, MONDO:0015356.

Submissions (2):

Ambry Genetics
Classification: Uncertain significance for Hereditary cancer-predisposing syndrome. Last evaluated: 2023-06-25. Review status: criteria provided, single submitter. Criteria: Ambry Variant Classification Scheme 2023. Collection method: clinical testing. Allele origin: germline.
Comment: The p.I1568T variant (also known as c.4703T>C), located in coding exon 36 of the POLE gene, results from a T to C substitution at nucleotide position 4703. The isoleucine at codon 1568 is replaced by threonine, an amino acid with similar properties. This amino acid position is conserved. In addition, this alteration is predicted to be tolerated by in silico analysis. Since supporting evidence is limited at this time, the clinical significance of this alteration remains unclear.

Labcorp Genetics (formerly Invitae), Labcorp
Classification: Uncertain significance. Last evaluated: 2022-11-02. Review status: criteria provided, single submitter. Criteria: Invitae Variant Classification Sherloc (09022015). Collection method: clinical testing. Allele origin: germline.
Comment: In summary, the available evidence is currently insufficient to determine the role of this variant in disease. Therefore, it has been classified as a Variant of Uncertain Significance. Algorithms developed to predict the effect of missense changes on protein structure and function (SIFT, PolyPhen-2, Align-GVGD) all suggest that this variant is likely to be disruptive. ClinVar contains an entry for this variant (Variation ID: 1408211). This variant has not been reported in the literature in individuals affected with POLE-related conditions. This variant is not present in population databases (gnomAD no frequency). This sequence change replaces isoleucine, which is neutral and non-polar, with threonine, which is neutral and polar, at codon 1568 of the POLE protein (p.Ile1568Thr).